The following is an entry in ClinVar:

ClinVar aggregate classification (germline): Uncertain significance (1 of 4 stars; one submission).

Conditions:
Hereditary cancer-predisposing syndrome. Also called: Tumor predisposition; Neoplastic Syndromes, Hereditary; Hereditary neoplastic syndrome; Hereditary Cancer Syndrome. Identifiers: Orphanet 140162, MedGen C0027672, MeSH D009386, MONDO:0015356.

Submission:

Ambry Genetics
Classification: Uncertain significance for Hereditary cancer-predisposing syndrome. Last evaluated: 2025-08-27. Review status: criteria provided, single submitter. Criteria: Ambry Variant Classification Scheme 2023. Collection method: clinical testing. Allele origin: germline.
Comment: The p.S44R variant (also known as c.132T>A), located in coding exon 2 of the MUTYH gene, results from a T to A substitution at nucleotide position 132. The serine at codon 44 is replaced by arginine, an amino acid with dissimilar properties. This amino acid position is conserved. In addition, this alteration is predicted to be tolerated by in silico analysis. Based on the available evidence, the clinical significance of this variant remains unclear.

NM_001048174.2(MUTYH):c.90T>A (p.Ser30Arg)

Gene: MUTYH (mutY DNA glycosylase; minus strand). Cytogenetic location: 1p34.1.
Variant type: single nucleotide variant.
Coding change: c.90T>A on transcript NM_001048174.2 (MANE Select); coding-DNA position 90, T replaced by A.
Protein change: p.Ser30Arg; replaces serine 30 with arginine.
Molecular consequence: missense variant. On other transcripts: 5 prime UTR variant (7), non-coding transcript variant (7).
Genome position (GRCh38, 1-based): chr1:45,334,416, A>T on the plus strand (T>A on the coding strand, the complement: MUTYH is on the minus strand). VCF-style: chr1-45334416-A-T. GRCh37 (hg19) VCF-style: chr1-45800088-A-T.
Other names: c.90T>A, p.Ser30Arg (NM_001048171.2, NM_001048172.2, NM_001048173.2 and 15 more transcripts); c.132T>A, p.Ser44Arg (NM_001407073.1, NM_012222.3, NM_001128425.2 and 2 more transcripts); c.-67T>A (NM_001407075.1); c.-118T>A (NM_001407082.1, NM_001350651.2); c.108T>A, p.Ser36Arg (NM_001407087.1); c.-123T>A (NM_001407091.1, NM_001293192.2, NM_001293196.2); c.-182T>A (NM_001350650.2); short protein forms S30R, S36R, S44R.
Identifiers: ClinVar variation 4113181 (VCV004113181.1).
Genomic context (GRCh38, chr1:45,334,416, plus strand): 5'-GCCAATGAGCCTTGGGCCACAACCTAGTTCCTTACCATCACAGGCAGAAGGCTTGGCCTG[A>T]CTGTTGTTCTTAGCATGCTTCTGCCTCCCTTCCTGGCTGGCTGCCTGCTTCCTGTGACCA-3'
Protein context (NP_001041639.1, residues 20-40): EGRQKHAKNN[Ser30Arg]QAKPSACDGL